The following is an entry in ClinVar:

NM_001024630.4(RUNX2):c.174_209del (p.Gln60_Gln71del)

Genes: RUNX2 (RUNX family transcription factor 2; plus strand), LOC109611589 (runt related transcription factor 2 polyalanine expansion region; plus strand). Cytogenetic location: 6p21.1.
Variant type: Deletion.
Coding change: c.174_209del on transcript NM_001024630.4 (MANE Select); coding-DNA positions 174 to 209, 36 bases deleted.
Protein change: p.Gln60_Gln71del.
Molecular consequence: inframe deletion. On other transcripts: inframe indel (1).
Genome position (GRCh38, 1-based): chr6:45,422,708-45,422,743, 36 bases deleted; deleting any 36 consecutive bases within chr6:45,422,682-45,422,743 gives the same sequence; the c. name uses the placement nearest the transcript's 3' end. GRCh37 (hg19): chr6:45,390,445-45,390,480.
Other names: c.174_209del, p.Gln60_Gln71del (NM_001015051.4); c.132_167del, p.Gln46_Gln57del (NM_001278478.2, NM_001369405.1); c.132_167del36, p.Gln46_Gln57del (NM_004348.3).
Identifiers: ClinVar variation 3017746 (VCV003017746.3), dbSNP rs1563078850, ClinGen allele CA3836271.

ClinVar aggregate classification (germline): Uncertain significance (1 of 4 stars; one submission).

Submission:

Labcorp Genetics (formerly Invitae), Labcorp
Classification: Uncertain significance. Last evaluated: 2025-05-14. Review status: criteria provided, single submitter. Criteria: Invitae Variant Classification Sherloc (09022015). Collection method: clinical testing. Allele origin: germline.
Comment: This variant, c.174_209del, results in the deletion of 12 amino acid(s) of the RUNX2 protein (p.Gln60_Gln71del), but otherwise preserves the integrity of the reading frame. The frequency data for this variant in the population databases is considered unreliable, as metrics indicate poor data quality at this position in the gnomAD database. This variant has not been reported in the literature in individuals affected with RUNX2-related conditions. ClinVar contains an entry for this variant (Variation ID: 3017746). Experimental studies and prediction algorithms are not available or were not evaluated, and the functional significance of this variant is currently unknown. In summary, the available evidence is currently insufficient to determine the role of this variant in disease. Therefore, it has been classified as a Variant of Uncertain Significance.